The following is an entry in ClinVar:

NM_001375524.1(TRRAP):c.5600G>A (p.Arg1867His)

Gene: TRRAP (transformation/transcription domain associated protein; plus strand). Cytogenetic location: 7q22.1.
Variant type: single nucleotide variant.
Coding change: c.5600G>A on transcript NM_001375524.1 (MANE Select); coding-DNA position 5600, G replaced by A.
Protein change: p.Arg1867His; replaces arginine 1867 with histidine.
Molecular consequence: missense variant.
Genome position (GRCh38, 1-based): chr7:98,953,303, G>A. VCF-style: chr7-98953303-G-A. GRCh37 (hg19) VCF-style: chr7-98550926-G-A.
Other names: c.5579G>A, p.Arg1860His (NM_001244580.2); c.5525G>A, p.Arg1842His (NM_003496.4); short protein forms R1842H, R1860H, R1867H.
Identifiers: ClinVar variation 4690993 (VCV004690993.1).

ClinVar aggregate classification (germline): Uncertain significance (1 of 4 stars; one submission).

gnomAD v4.1: 14 of 1,613,848 alleles (0.00087%); highest among the groups gnomAD compares: East Asian, 0.0022%; no homozygotes.

Submission:

Labcorp Genetics (formerly Invitae), Labcorp
Classification: Uncertain significance. Last evaluated: 2025-06-29. Review status: criteria provided, single submitter. Criteria: Invitae Variant Classification Sherloc (09022015). Collection method: clinical testing. Allele origin: germline.
Comment: This sequence change replaces arginine, which is basic and polar, with histidine, which is basic and polar, at codon 1842 of the TRRAP protein (p.Arg1842His). This variant is present in population databases (rs782566441, gnomAD 0.003%). This variant has not been reported in the literature in individuals affected with TRRAP-related conditions. Invitae Evidence Modeling of protein sequence and biophysical properties (such as structural, functional, and spatial information, amino acid conservation, physicochemical variation, residue mobility, and thermodynamic stability) indicates that this missense variant is expected to disrupt TRRAP protein function with a positive predictive value of 80%. In summary, the available evidence is currently insufficient to determine the role of this variant in disease. Therefore, it has been classified as a Variant of Uncertain Significance.